The following is an entry in ClinVar:

ClinVar aggregate classification (germline): Likely pathogenic. Review status: reviewed by expert panel (3 of 4 stars). 2 submissions from 2 submitters: Likely pathogenic (1). 1 of the submissions does not count toward it. Last evaluated 2026-10-02.

Conditions:
Hereditary thrombocytopenia and hematological cancer predisposition syndrome associated with RUNX1. Also called: Familial Platelet Disorder with Propensity to Acute Myelogenous Leukemia; RUNX1 Familial Platelet Disorder with Associated Myeloid Malignancies; Familial thrombocytopenia with propensity to acute myelogenous leukemia; PLATELET DISORDER, ASPIRIN-LIKE. Identifiers: Orphanet 71290, MedGen C1832388, MeSH C563324, MONDO:0100083, OMIM 601399.
Hereditary thrombocytopenia and hematologic cancer predisposition syndrome. Identifiers: Orphanet 71290, MedGen CN281654, MONDO:0011071.

Submissions (2):

ClinGen Myeloid Malignancy Variant Curation Expert Panel
Classification: Likely pathogenic for Hereditary thrombocytopenia and hematologic cancer predisposition syndrome. Last evaluated: 2026-10-02. Review status: reviewed by expert panel. Criteria: ClinGen MyeloMalig ACMG Specifications V3.1. Collection method: curation. Allele origin: germline. Inheritance: Autosomal dominant inheritance.
Comment: NM_001754.5(RUNX1):c.508G>A (p.Gly170Arg) is a missense variant which affects one of the hotspot residues (Gly170) within the RHD (amino acids 89-204; PM1_Strong). This variant has a REVEL score ≥ 0.88 (0.95) (PP3) and is completely absent from all population databases with at least 20x coverage for RUNX1 (PM2_Supporting). In summary, this variant meets criteria to be classified as likely pathogenic. ACMG/AMP criteria applied, as specified by the Myeloid Malignancy Variant Curation Expert Panel for RUNX1: PM1_Strong, PP3, PM2_Supporting.

Labcorp Genetics (formerly Invitae), Labcorp
Classification: Uncertain significance for Hereditary thrombocytopenia and hematological cancer predisposition syndrome associated with RUNX1. Last evaluated: 2024-03-27. Review status: criteria provided, single submitter. Criteria: Invitae Variant Classification Sherloc (09022015). Collection method: clinical testing. Allele origin: germline. Not counted in ClinVar's aggregate classification.
Comment: This sequence change replaces glycine, which is neutral and non-polar, with arginine, which is basic and polar, at codon 170 of the RUNX1 protein (p.Gly170Arg). This variant also falls at the last nucleotide of exon 5, which is part of the consensus splice site for this exon. This variant is not present in population databases (gnomAD no frequency). This missense change has been observed in individual(s) with RUNX1-related conditions (PMID: 22430633). This variant is also known as c.427G>A, p.G143R. An algorithm developed to predict the effect of missense changes on protein structure and function (PolyPhen-2) suggests that this variant is likely to be disruptive. Variants that disrupt the consensus splice site are a relatively common cause of aberrant splicing (PMID: 17576681, 9536098). Algorithms developed to predict the effect of sequence changes on RNA splicing suggest that this variant may disrupt the consensus splice site. In summary, the available evidence is currently insufficient to determine the role of this variant in disease. Therefore, it has been classified as a Variant of Uncertain Significance.

Literature cited by the submitters: PubMed 22430633 (cited by Labcorp Genetics (formerly Invitae), Labcorp); PubMed 17576681 (cited by Labcorp Genetics (formerly Invitae), Labcorp); PubMed 9536098 (cited by Labcorp Genetics (formerly Invitae), Labcorp).

NM_001754.5(RUNX1):c.508G>A (p.Gly170Arg)

Genes: RUNX1 (RUNX family transcription factor 1; minus strand), RUNX1-AS1 (RUNX1 antisense RNA 1; plus strand). Cytogenetic location: 21q22.12.
Variant type: single nucleotide variant.
Coding change: c.508G>A on transcript NM_001754.5 (MANE Select); coding-DNA position 508, G replaced by A.
Protein change: p.Gly170Arg; replaces glycine 170 with arginine.
Molecular consequence: missense variant.
Genome position (GRCh38, 1-based): chr21:34,880,557, C>T on the plus strand (G>A on the coding strand, the complement: RUNX1 is on the minus strand). VCF-style: chr21-34880557-C-T. GRCh37 (hg19) VCF-style: chr21-36252854-C-T.
Other names: NM_001754.5(RUNX1):c.508G>A; p.Gly170Arg; c.427G>A, p.Gly143Arg (NM_001001890.3, NM_001122607.2); short protein forms G170R, G143R.
Identifiers: ClinVar variation 3723861 (VCV003723861.3).
Genomic context (GRCh38, chr21:34,880,557, plus strand): 5'-TGAAATGTGGGTTTGTTGCCATGAAACGTGTTTCAAGCATAGTTTTGACAGATAACGTAC[C>T]TCTTCCACTTCGACCGACAAACCTGAGGTCATTAAATCTTGCAACCTGGTTCTTCATGGC-3'
Protein context (NP_001745.2, residues 160-180): DLRFVGRSGR[Gly170Arg]KSFTLTITVF